The following is an entry in ClinVar:

NM_012123.4(MTO1):c.939-2A>G

Gene: MTO1 (mitochondrial tRNA translation optimization 1; plus strand). Cytogenetic location: 6q13.
Variant type: single nucleotide variant.
Coding change: c.939-2A>G on transcript NM_012123.4 (MANE Select); the canonical splice acceptor site of the intron before coding-DNA position 939, A replaced by G.
Molecular consequence: splice acceptor variant.
Genome position (GRCh38, 1-based): chr6:73,479,934, A>G. VCF-style: chr6-73479934-A-G. GRCh37 (hg19) VCF-style: chr6-74189657-A-G.
Other names: NC_000006.11:g.74189657A>G; c.939-2A>G (NM_133645.3, NM_001123226.2).
Identifiers: ClinVar variation 2231281 (VCV002231281.3), dbSNP rs1771437575, ClinGen allele CA364714560.

ClinVar aggregate classification (germline): Pathogenic (1 of 4 stars; one submission).

Conditions:
Inborn genetic diseases. Identifiers: MedGen C0950123, MeSH D030342.

Allele frequency attached by ClinVar (database versions not stated): TOPMed below 0.00001.

Submissions (2):

Ambry Genetics
Classification: Pathogenic for Inborn genetic diseases. Last evaluated: 2021-06-15. Review status: criteria provided, single submitter. Criteria: Ambry Variant Classification Scheme 2023. Collection method: clinical testing. Allele origin: germline.
Comment: The c.939-2A>G intronic variant results from an A to G substitution two nucleotides before coding exon 6 of the MTO1 gene. Alterations that disrupt the canonical splice site are expected to cause aberrant splicing, resulting in an abnormal protein or a transcript that is subject to nonsense-mediated mRNA decay. Based on data from the Genome Aggregation Database (gnomAD), the MTO1 c.939-2A>G alteration was not observed, with coverage at this position. This nucleotide position is highly conserved in available vertebrate species. In silico splice site analysis predicts that this alteration will weaken the native splice acceptor site. Based on the available evidence, this alteration is classified as pathogenic.

Dr. Peter K. Rogan Lab, Western University
No classification provided (evidence only). Condition: Nonpapillary renal cell carcinoma. Review status: no classification provided. Collection method: in vitro. Allele origin: not applicable. Functional consequence: retained intron. Not counted in ClinVar's aggregate classification.